The following is an entry in ClinVar:

NM_001323289.2(CDKL5):c.2053G>A (p.Val685Met)

Gene: CDKL5 (cyclin dependent kinase like 5; plus strand). Cytogenetic location: Xp22.13.
Variant type: single nucleotide variant.
Coding change: c.2053G>A on transcript NM_001323289.2 (MANE Select); coding-DNA position 2053, G replaced by A.
Protein change: p.Val685Met; replaces valine 685 with methionine.
Molecular consequence: missense variant.
Genome position (GRCh38, 1-based): chrX:18,609,471, G>A. VCF-style: chrX-18609471-G-A. GRCh37 (hg19) VCF-style: chrX-18627591-G-A.
Other names: c.2053G>A, p.Val685Met (NM_001037343.2, NM_003159.3); short protein forms V685M.
Identifiers: ClinVar variation 3760548 (VCV003760548.2).

ClinVar aggregate classification (germline): Uncertain significance (1 of 4 stars; one submission).

Conditions:
Developmental and epileptic encephalopathy, 2 (DEE2). Also called: CDKL5 deficiency disorder; INFANTILE SPASM SYNDROME, X-LINKED 2. Identifiers: Orphanet 1934, Orphanet 3451, Orphanet 505652, MedGen C4750718, MONDO:0010396, OMIM 300672.
Angelman syndrome-like. Identifiers: MedGen CN128785.

gnomAD v4.1: 6 of 1,211,934 alleles (0.0005%); highest among the groups gnomAD compares: African/African-American, 0.0035%; no homozygotes.

Submission:

Labcorp Genetics (formerly Invitae), Labcorp
Classification: Uncertain significance for Developmental and epileptic encephalopathy, 2; Angelman syndrome-like. Last evaluated: 2025-05-26. Review status: criteria provided, single submitter. Criteria: Invitae Variant Classification Sherloc (09022015). Collection method: clinical testing. Allele origin: germline.
Comment: This sequence change replaces valine, which is neutral and non-polar, with methionine, which is neutral and non-polar, at codon 685 of the CDKL5 protein (p.Val685Met). This variant is present in population databases (no rsID available, gnomAD 0.008%). This variant has not been reported in the literature in individuals affected with CDKL5-related conditions. ClinVar contains an entry for this variant (Variation ID: 3760548). Invitae Evidence Modeling of protein sequence and biophysical properties (such as structural, functional, and spatial information, amino acid conservation, physicochemical variation, residue mobility, and thermodynamic stability) indicates that this missense variant is not expected to disrupt CDKL5 protein function with a negative predictive value of 95%. In summary, the available evidence is currently insufficient to determine the role of this variant in disease. Therefore, it has been classified as a Variant of Uncertain Significance.